The following is an entry in ClinVar:

ClinVar aggregate classification (germline): Likely benign (1 of 4 stars; one submission).

Conditions:
BICC1-related disorder. Also called: BICC1-related condition.

gnomAD v4.1: 4 of 1,613,870 alleles (0.00025%); highest among the groups gnomAD compares: South Asian, 0.0044%; no homozygotes.

Submission:

PreventionGenetics, part of Exact Sciences
Classification: Likely benign for BICC1-related condition. Last evaluated: 2025-09-16. Review status: criteria provided, single submitter. Criteria: ACMG Guidelines, 2015. Collection method: clinical testing. Allele origin: germline.
Comment: This variant is classified as likely benign based on ACMG/AMP sequence variant interpretation guidelines (Richards et al. 2015 PMID: 25741868, with internal and published modifications).

NM_001080512.3(BICC1):c.1140C>T (p.Val380=)

Gene: BICC1 (BicC family RNA binding protein 1; plus strand). Cytogenetic location: 10q21.1.
Variant type: single nucleotide variant.
Coding change: c.1140C>T on transcript NM_001080512.3 (MANE Select); coding-DNA position 1140, C replaced by T.
Protein change: p.Val380=; no amino-acid change (valine 380 retained).
Molecular consequence: synonymous variant.
Genome position (GRCh38, 1-based): chr10:58,793,576, C>T. VCF-style: chr10-58793576-C-T. GRCh37 (hg19) VCF-style: chr10-60553336-C-T.
Identifiers: ClinVar variation 4986460 (VCV004986460.1).